The following is an entry in ClinVar:

NM_000250.2(MPO):c.1031G>A (p.Gly344Asp)

Gene: MPO (myeloperoxidase; minus strand). Cytogenetic location: 17q22.
Variant type: single nucleotide variant.
Coding change: c.1031G>A on transcript NM_000250.2 (MANE Select); coding-DNA position 1031, G replaced by A.
Protein change: p.Gly344Asp; replaces glycine 344 with aspartic acid.
Molecular consequence: missense variant.
Genome position (GRCh38, 1-based): chr17:58,278,000, C>T on the plus strand (G>A on the coding strand, the complement: MPO is on the minus strand). VCF-style: chr17-58278000-C-T. GRCh37 (hg19) VCF-style: chr17-56355361-C-T.
Other names: short protein forms G344D.
Identifiers: ClinVar variation 931524 (VCV000931524.3), dbSNP rs1970460686, ClinGen allele CA400372896.
Genomic context (GRCh38, chr17:58,278,000, plus strand): 5'-GCCAGCAGCCCCAGCTGGTTGGACATGTTGCGCAGGTTCCTGGCCAGGGGCTCCTCGCTG[C>T]CGTACACCATGCTGGCGTCCACGAAGGAAGTGAGCGCGTTGATCTGGTTGCGGATGGTGA-3'
Protein context (NP_000241.1, residues 334-354): TSFVDASMVY[Gly344Asp]SEEPLARNLR

ClinVar aggregate classification (germline): Uncertain significance (1 of 4 stars; one submission).

Conditions:
Alzheimer disease. Also called: Alzheimer's disease; Presenile and senile dementia. Identifiers: Orphanet 1020, MedGen C0002395, MeSH D000544, MONDO:0004975, HP:0002511.

Allele frequency attached by ClinVar (database versions not stated): gnomAD exomes below 0.00001.
gnomAD v4.1: 3 of 1,613,908 alleles (0.00019%); highest among the groups gnomAD compares: Non-Finnish European, 0.00025%; no homozygotes.

Submission:

Centre for Mendelian Genomics, University Medical Centre Ljubljana
Classification: Uncertain significance for Alzheimer disease type 1. Last evaluated: 2019-02-26. Review status: criteria provided, single submitter. Criteria: ACMG Guidelines, 2015. Collection method: clinical testing. Allele origin: unknown. Affected: yes.
Comment: This variant was classified as: Uncertain significance. The available evidence on this variant's pathogenicity is insufficient or conflicting. The following ACMG criteria were applied in classifying this variant: PM2,PP3.